The following is an entry in ClinVar:

ClinVar aggregate classification (germline): Likely pathogenic (0 of 4 stars; one submission).

Conditions:
TRIO-related disorder. Also called: TRIO-related disorders; TRIO-related condition.

Submission:

PreventionGenetics, part of Exact Sciences
Classification: Likely pathogenic for TRIO-related condition. Last evaluated: 2024-02-22. Review status: no assertion criteria provided. Collection method: clinical testing. Allele origin: germline.
Comment: The TRIO c.5839A>G variant is predicted to result in the amino acid substitution p.Asn1947Asp. To our knowledge, this variant has not been reported in the literature or in a large population database, indicating this variant is rare. However, de novo missense variants have been reported in individuals with autism spectrum disorder and intellectual disability phenotypes (see for example Pengelly et al. 2016. PubMed ID: 27418539; Takata et al. 2018. PubMed ID: 29346770). Therefore, we interpret this variant as likely pathogenic.

NM_007118.4(TRIO):c.5839A>G (p.Asn1947Asp)

Gene: TRIO (trio Rho guanine nucleotide exchange factor; plus strand). Cytogenetic location: 5p15.2.
Variant type: single nucleotide variant.
Coding change: c.5839A>G on transcript NM_007118.4 (MANE Select); coding-DNA position 5839, A replaced by G.
Protein change: p.Asn1947Asp; replaces asparagine 1947 with aspartic acid.
Molecular consequence: missense variant. On other transcripts: non-coding transcript variant (1).
Genome position (GRCh38, 1-based): chr5:14,471,393, A>G. VCF-style: chr5-14471393-A-G. GRCh37 (hg19) VCF-style: chr5-14471502-A-G.
Other names: short protein forms N1947D.
Identifiers: ClinVar variation 3061273 (VCV003061273.2), dbSNP rs2533562200, ClinGen allele CA359225899.